The following is an entry in ClinVar:

NM_018109.4(MTPAP):c.1312+6T>C

Gene: MTPAP (mitochondrial poly(A) polymerase; minus strand). Cytogenetic location: 10p11.23.
Variant type: single nucleotide variant.
Coding change: c.1312+6T>C on transcript NM_018109.4 (MANE Select); 6 bases into the intron after coding-DNA position 1312, T replaced by C.
Molecular consequence: intron variant.
Genome position (GRCh38, 1-based): chr10:30,316,112, A>G on the plus strand (T>C on the coding strand, the complement: MTPAP is on the minus strand). VCF-style: chr10-30316112-A-G. GRCh37 (hg19) VCF-style: chr10-30605041-A-G.
Identifiers: ClinVar variation 1934851 (VCV001934851.5), dbSNP rs2538447286, ClinGen allele CA2580081486.

ClinVar aggregate classification (germline): Uncertain significance (1 of 4 stars; one submission).

Allele frequency attached by ClinVar (database versions not stated): gnomAD exomes below 0.00001.
gnomAD v4.1: 1 of 1,611,808 alleles (0.000062%); highest among the groups gnomAD compares: Non-Finnish European, 0.000085%; no homozygotes.

Submission:

Labcorp Genetics (formerly Invitae), Labcorp
Classification: Uncertain significance. Last evaluated: 2025-09-02. Review status: criteria provided, single submitter. Criteria: Invitae Variant Classification Sherloc (09022015). Collection method: clinical testing. Allele origin: germline.
Comment: This sequence change falls in intron 7 of the MTPAP gene. It does not directly change the encoded amino acid sequence of the MTPAP protein. It affects a nucleotide within the consensus splice site. This variant is not present in population databases (gnomAD no frequency). This variant has not been reported in the literature in individuals affected with MTPAP-related conditions. ClinVar contains an entry for this variant (Variation ID: 1934851). Variants that disrupt the consensus splice site are a relatively common cause of aberrant splicing (PMID: 17576681, 9536098). Algorithms developed to predict the effect of sequence changes on RNA splicing suggest that this variant is not likely to affect RNA splicing. In summary, the available evidence is currently insufficient to determine the role of this variant in disease. Therefore, it has been classified as a Variant of Uncertain Significance.

Literature cited by the submitters: PubMed 17576681; PubMed 9536098.